The following is an entry in ClinVar:

ClinVar aggregate classification (germline): Uncertain significance. Review status: criteria provided, multiple submitters, no conflicts (2 of 4 stars). 2 submissions from 2 submitters: Uncertain significance (2). Last evaluated 2025-10-31.

Conditions:
Tatton-Brown-Rahman overgrowth syndrome. Also called: Tall stature-intellectual disability-facial dysmorphism syndrome; Tatton-Brown-Rahman syndrome. Identifiers: Orphanet 404443, MedGen C4014545, MONDO:0014382, OMIM 615879.
DNMT3A-related disorder. Also called: DNMT3A-related disorders; DNMT3A-related condition.

gnomAD v4.1: 8 of 1,612,410 alleles (0.0005%); highest among the groups gnomAD compares: Non-Finnish European, 0.00051%; no homozygotes.

Submissions (2):

PreventionGenetics, part of Exact Sciences
Classification: Uncertain significance for DNMT3A-related condition. Last evaluated: 2025-10-31. Review status: criteria provided, single submitter. Criteria: ACMG Guidelines, 2015. Collection method: clinical testing. Allele origin: germline.
Comment: The DNMT3A c.863G>A variant is predicted to result in the amino acid substitution p.Arg288Gln. To our knowledge, this variant has not been reported in the literature. This variant is reported in 0.0018% of alleles in individuals of European (Non-Finnish) descent in gnomAD. At this time, the clinical significance of this variant is uncertain due to the absence of conclusive functional and genetic evidence.

Labcorp Genetics (formerly Invitae), Labcorp
Classification: Uncertain significance for Tatton-Brown-Rahman overgrowth syndrome. Last evaluated: 2024-07-05. Review status: criteria provided, single submitter. Criteria: Invitae Variant Classification Sherloc (09022015). Collection method: clinical testing. Allele origin: germline.
Comment: This sequence change replaces arginine, which is basic and polar, with glutamine, which is neutral and polar, at codon 288 of the DNMT3A protein (p.Arg288Gln). This variant is present in population databases (rs749572719, gnomAD 0.002%). This variant has not been reported in the literature in individuals affected with DNMT3A-related conditions. Advanced modeling of protein sequence and biophysical properties (such as structural, functional, and spatial information, amino acid conservation, physicochemical variation, residue mobility, and thermodynamic stability) performed at Invitae indicates that this missense variant is not expected to disrupt DNMT3A protein function with a negative predictive value of 80%. In summary, the available evidence is currently insufficient to determine the role of this variant in disease. Therefore, it has been classified as a Variant of Uncertain Significance.

NM_022552.5(DNMT3A):c.863G>A (p.Arg288Gln)

Gene: DNMT3A (DNA methyltransferase 3 alpha; minus strand). Cytogenetic location: 2p23.3.
Variant type: single nucleotide variant.
Coding change: c.863G>A on transcript NM_022552.5 (MANE Select); coding-DNA position 863, G replaced by A.
Protein change: p.Arg288Gln; replaces arginine 288 with glutamine.
Molecular consequence: missense variant. On other transcripts: non-coding transcript variant (1).
Genome position (GRCh38, 1-based): chr2:25,247,742, C>T on the plus strand (G>A on the coding strand, the complement: DNMT3A is on the minus strand). VCF-style: chr2-25247742-C-T. GRCh37 (hg19) VCF-style: chr2-25470611-C-T.
Other names: c.407G>A, p.Arg136Gln (NM_001320893.1); c.194G>A, p.Arg65Gln (NM_001375819.1); c.296G>A, p.Arg99Gln (NM_153759.3); c.863G>A, p.Arg288Gln (NM_175629.2); short protein forms R136Q, R288Q, R65Q, R99Q.
Identifiers: ClinVar variation 3605521 (VCV003605521.3).